The following is an entry in ClinVar:

ClinVar aggregate classification (germline): Uncertain significance. Review status: reviewed by expert panel (3 of 4 stars). 3 submissions from 3 submitters: Uncertain significance (1). 2 of the submissions do not count toward it. Last evaluated 2023-11-13.

Conditions:
Hereditary thrombocytopenia and hematologic cancer predisposition syndrome. Identifiers: Orphanet 71290, MedGen CN281654, MONDO:0011071.
Inborn genetic diseases. Identifiers: MedGen C0950123, MeSH D030342.
Hereditary thrombocytopenia and hematological cancer predisposition syndrome associated with RUNX1. Also called: Familial Platelet Disorder with Propensity to Acute Myelogenous Leukemia; Familial thrombocytopenia with propensity to acute myelogenous leukemia; PLATELET DISORDER, ASPIRIN-LIKE; RUNX1 Familial Platelet Disorder with Associated Myeloid Malignancies. Identifiers: Orphanet 71290, MedGen C1832388, MeSH C563324, MONDO:0100083, OMIM 601399.

Allele frequency attached by ClinVar (database versions not stated): gnomAD exomes below 0.00001 and 0.00001.

Submissions (3):

ClinGen Myeloid Malignancy Variant Curation Expert Panel
Classification: Uncertain significance for Hereditary thrombocytopenia and hematologic cancer predisposition syndrome. Last evaluated: 2023-11-13. Review status: reviewed by expert panel. Criteria: ClinGen MyeloMalig ACMG Specifications v2. Collection method: curation. Allele origin: germline. Inheritance: Autosomal dominant inheritance.
Comment: NM_001754.5(RUNX1):c.1289C>T (p.Pro430Leu) is a missense variant. This variant is present on one allele (European Non-Finnish) in gnomAD v2.1.1 (54876 alleles tested, mean depth coverage 38.9x) and is absent in gnomAD v3.1.2 (mean depth coverage 30x). This missense variant has a REVEL score < 0.50 (0.303) and SpliceAI score is <= 0.20 (0) (BP4). In summary, the clinical significance of this variant is uncertain. ACMG/AMP criteria applied, as specified by the Myeloid Malignancy Variant Curation Expert Panel for RUNX1: BP4.

Ambry Genetics
Classification: Uncertain significance for Inborn genetic diseases. Last evaluated: 2025-03-14. Review status: criteria provided, single submitter. Criteria: Ambry Variant Classification Scheme 2023. Collection method: clinical testing. Allele origin: germline. Not counted in ClinVar's aggregate classification.
Comment: The p.P430L variant (also known as c.1289C>T), located in coding exon 8 of the RUNX1 gene, results from a C to T substitution at nucleotide position 1289. The proline at codon 430 is replaced by leucine, an amino acid with similar properties. This amino acid position is highly conserved in available vertebrate species. In addition, this alteration is predicted to be tolerated by in silico analysis. Based on the available evidence, the clinical significance of this variant remains unclear.

Labcorp Genetics (formerly Invitae), Labcorp
Classification: Uncertain significance for Hereditary thrombocytopenia and hematological cancer predisposition syndrome associated with RUNX1. Last evaluated: 2024-03-06. Review status: criteria provided, single submitter. Criteria: Invitae Variant Classification Sherloc (09022015). Collection method: clinical testing. Allele origin: germline. Not counted in ClinVar's aggregate classification.
Comment: This sequence change replaces proline, which is neutral and non-polar, with leucine, which is neutral and non-polar, at codon 430 of the RUNX1 protein (p.Pro430Leu). The frequency data for this variant in the population databases is considered unreliable, as metrics indicate poor data quality at this position in the gnomAD database. This variant has not been reported in the literature in individuals affected with RUNX1-related conditions. ClinVar contains an entry for this variant (Variation ID: 1378669). Advanced modeling of protein sequence and biophysical properties (such as structural, functional, and spatial information, amino acid conservation, physicochemical variation, residue mobility, and thermodynamic stability) performed at Invitae indicates that this missense variant is not expected to disrupt RUNX1 protein function with a negative predictive value of 80%. In summary, the available evidence is currently insufficient to determine the role of this variant in disease. Therefore, it has been classified as a Variant of Uncertain Significance.

NM_001754.5(RUNX1):c.1289C>T (p.Pro430Leu)

Gene: RUNX1 (RUNX family transcription factor 1; minus strand). Cytogenetic location: 21q22.12.
Variant type: single nucleotide variant.
Coding change: c.1289C>T on transcript NM_001754.5 (MANE Select); coding-DNA position 1289, C replaced by T.
Protein change: p.Pro430Leu; replaces proline 430 with leucine.
Molecular consequence: missense variant.
Genome position (GRCh38, 1-based): chr21:34,792,289, G>A on the plus strand (C>T on the coding strand, the complement: RUNX1 is on the minus strand). VCF-style: chr21-34792289-G-A. GRCh37 (hg19) VCF-style: chr21-36164586-G-A.
Other names: NM_001754.5(RUNX1):c.1289C>T; p.Pro430Leu; c.1208C>T, p.Pro403Leu (NM_001001890.3); c.1289C>T (NM_001754.4); short protein forms P403L, P430L.
Identifiers: ClinVar variation 1378669 (VCV001378669.9), dbSNP rs1253570532, ClinGen allele CA410147494.